The following is an entry in ClinVar:

NM_001042492.3(NF1):c.3556del (p.Ile1186fs)

Gene: NF1 (neurofibromin 1; plus strand). Cytogenetic location: 17q11.2.
Variant type: Deletion.
Coding change: c.3556del on transcript NM_001042492.3 (MANE Select); coding-DNA position 3556, one base deleted (A; older notation c.3556delA).
Protein change: p.Ile1186fs; shifts the reading frame from isoleucine 1186.
Molecular consequence: frameshift variant.
Genome position (GRCh38, 1-based): chr17:31,233,061, A deleted; the last of 5 consecutive A bases (chr17:31,233,057-31,233,061); deleting any one gives the same sequence. VCF-style (leftmost placement, unchanged base first): chr17-31233056-CA-C. GRCh37 (hg19) VCF-style: chr17-29560074-CA-C.
Other names: c.3556delA, p.Ile1186Serfs (NM_000267.4); c.3556delA (NM_001042492.3); short protein forms I1186fs.
Identifiers: ClinVar variation 1048693 (VCV001048693.4), dbSNP rs2151435407, ClinGen allele CA2499224103.
Genomic context (GRCh38, chr17:31,233,056, plus strand): 5'-CATTAGGCTTAGGTTACCACAAGGATCTCCAGACAAGAGCTACATTTATGGAAGTTCTGA[CA>C]AAAATCCTTCAACAAGGCACAGAATTTGACACACTTGCAGAAACAGTATTGGCTGATCGG-3'

ClinVar aggregate classification (germline): Pathogenic/Likely pathogenic. Review status: criteria provided, multiple submitters, no conflicts (2 of 4 stars). 3 submissions from 3 submitters: Pathogenic (1); Likely pathogenic (1). 1 of the submissions does not count toward it. Last evaluated 2025-07-13.

Conditions:
Neurofibromatosis, type 1 (NF1). Also called: Peripheral type neurofibromatosis; Neurofibromatosis, type I; VON RECKLINGHAUSEN DISEASE; NEUROFIBROMATOSIS, TYPE I, SOMATIC. Identifiers: Orphanet 636, MedGen C0027831, MONDO:0018975, OMIM 162200. Disease mechanism: loss of function.
Neurofibromatosis-Noonan syndrome (NFNS). Also called: NEUROFIBROMATOSIS WITH NOONAN PHENOTYPE. Identifiers: Orphanet 638, MedGen C2931482, MONDO:0011035, OMIM 601321. Disease mechanism: loss of function.

Submissions (3):

Labcorp Genetics (formerly Invitae), Labcorp
Classification: Pathogenic for Neurofibromatosis, type 1. Last evaluated: 2025-07-13. Review status: criteria provided, single submitter. Criteria: Invitae Variant Classification Sherloc (09022015). Collection method: clinical testing. Allele origin: germline.
Comment: This sequence change creates a premature translational stop signal (p.Ile1186Serfs*29) in the NF1 gene. It is expected to result in an absent or disrupted protein product. Loss-of-function variants in NF1 are known to be pathogenic (PMID: 10712197, 23913538). This variant is not present in population databases (gnomAD no frequency). This premature translational stop signal has been observed in individual(s) with neurofibromatosis type 1 (PMID: 30308447). ClinVar contains an entry for this variant (Variation ID: 1048693). For these reasons, this variant has been classified as Pathogenic.

Molecular Genetics Department, Kulakov National Medical Research Center for Obstetrics, Gynecology and Perinatology
Classification: Likely pathogenic for Neurofibromatosis, type 1; Neurofibromatosis-Noonan syndrome. Review status: criteria provided, single submitter. Criteria: ACMG Guidelines, 2015. Collection method: clinical testing. Allele origin: germline. Affected: yes. Observed: 1 variant allele.
Comment: A previously undescribed heterozygous nucleotide variant creates a frameshift p.Ile1186SerfsTer29 in the NF1 gene. Heterozygous variants are reported in patients with Neurofibromatosis-Noonan syndrome, 601321; Neurofibromatosis, type 1, 162200. The variant is not present in population database (gnomAD no frequency). In summary, the currently available evidence indicates that the variant is pathogenic, but additional data are needed to prove that conclusively. Therefore, this variant has been classified as likely pathogenic.

Laboratory of Medical Genetics, National & Kapodistrian University of Athens
Classification: Pathogenic for Neurofibromatosis, type 1. Last evaluated: 2019-01-01. Review status: no assertion criteria provided. Collection method: clinical testing. Allele origin: germline. Affected: yes. Not counted in ClinVar's aggregate classification.

Literature cited by the submitters: PubMed 10712197 (cited by Labcorp Genetics (formerly Invitae), Labcorp); PubMed 23913538 (cited by Labcorp Genetics (formerly Invitae), Labcorp); PubMed 30308447 (cited by Labcorp Genetics (formerly Invitae), Labcorp).